The following is an entry in ClinVar:

NM_002768.5(CHMP1A):c.203G>A (p.Arg68His)

Gene: CHMP1A (charged multivesicular body protein 1A; minus strand). Cytogenetic location: 16q24.3.
Variant type: single nucleotide variant.
Coding change: c.203G>A on transcript NM_002768.5 (MANE Select); coding-DNA position 203, G replaced by A.
Protein change: p.Arg68His; replaces arginine 68 with histidine.
Molecular consequence: missense variant. On other transcripts: synonymous variant (1), non-coding transcript variant (1).
Genome position (GRCh38, 1-based): chr16:89,649,400, C>T on the plus strand (G>A on the coding strand, the complement: CHMP1A is on the minus strand). VCF-style: chr16-89649400-C-T. GRCh37 (hg19) VCF-style: chr16-89715808-C-T.
Other names: c.183G>A, p.Pro61= (NM_001083314.4); short protein forms R68H.
Identifiers: ClinVar variation 3144423 (VCV003144423.2), dbSNP rs375600636, ClinGen allele CA8247113.
Genomic context (GRCh38, chr16:89,649,400, plus strand): 5'-CCAGCACTCACCCCCTTCATAGTCACAGCTGTCTGCACCTTGGAGGCCACTGCGTCTACG[C>T]GGGACGCCATCCGAAGCCAGTTCACACCTTCGTTCTTCTTGCGGATGGCGTTCTCGGCAT-3'
Protein context (NP_002759.2, residues 58-78): EGVNWLRMAS[Arg68His]VDAVASKVQT

ClinVar aggregate classification (germline): Conflicting classifications of pathogenicity. Review status: criteria provided, conflicting classifications (1 of 4 stars). 2 submissions from 2 submitters: Uncertain significance (1); Likely benign (1). Last evaluated 2025-10-07.

Conditions:
Inborn genetic diseases. Identifiers: MedGen C0950123, MeSH D030342.

Allele frequency attached by ClinVar (database versions not stated): ExAC 0.00003; ESP Exome Variant Server 0.00008.

Submissions (2):

Labcorp Genetics (formerly Invitae), Labcorp
Classification: Uncertain significance. Last evaluated: 2025-10-07. Review status: criteria provided, single submitter. Criteria: Invitae Variant Classification Sherloc (09022015). Collection method: clinical testing. Allele origin: germline.
Comment: This sequence change replaces arginine, which is basic and polar, with histidine, which is basic and polar, at codon 68 of the CHMP1A protein (p.Arg68His). This variant is present in population databases (rs375600636, gnomAD 0.003%). This variant has not been reported in the literature in individuals affected with CHMP1A-related conditions. ClinVar contains an entry for this variant (Variation ID: 3144423). An algorithm developed to predict the effect of missense changes on protein structure and function (PolyPhen-2) suggests that this variant is likely to be disruptive. In summary, the available evidence is currently insufficient to determine the role of this variant in disease. Therefore, it has been classified as a Variant of Uncertain Significance.

Ambry Genetics
Classification: Likely benign for Inborn genetic diseases. Last evaluated: 2024-02-28. Review status: criteria provided, single submitter. Criteria: Ambry Variant Classification Scheme 2023. Collection method: clinical testing. Allele origin: germline.